The following is an entry in ClinVar:

NM_004168.4(SDHA):c.1065-19T>A

Gene: SDHA (succinate dehydrogenase complex flavoprotein subunit A; plus strand). Cytogenetic location: 5p15.33.
Variant type: single nucleotide variant.
Coding change: c.1065-19T>A on transcript NM_004168.4 (MANE Select); 19 bases into the intron before coding-DNA position 1065, T replaced by A.
Molecular consequence: intron variant.
Genome position (GRCh38, 1-based): chr5:235,125, T>A. VCF-style: chr5-235125-T-A. GRCh37 (hg19) VCF-style: chr5-235240-T-A.
Other names: c.1065-19T>A (NM_001330758.2); c.921-19T>A (NM_001294332.2).
Identifiers: ClinVar variation 2924085 (VCV002924085.3), dbSNP rs1735682737, ClinGen allele CA2578253083.

ClinVar aggregate classification (germline): Uncertain significance (1 of 4 stars; one submission).

Conditions:
Mitochondrial complex II deficiency, nuclear type 1. Also called: SUCCINATE CoQ REDUCTASE DEFICIENCY. Identifiers: Orphanet 3208, MedGen C5700310, MONDO:0100294, OMIM 252011.
Pheochromocytoma/paraganglioma syndrome 5. Also called: Paragangliomas 5; SDHA-Related Hereditary Paraganglioma-Pheochromocytoma Syndrome. Identifiers: Orphanet 29072, MedGen C3279992, MONDO:0013602, OMIM 614165.

Submission:

Labcorp Genetics (formerly Invitae), Labcorp
Classification: Uncertain significance for Pheochromocytoma/paraganglioma syndrome 5; Mitochondrial complex II deficiency, nuclear type 1. Last evaluated: 2023-03-08. Review status: criteria provided, single submitter. Criteria: Invitae Variant Classification Sherloc (09022015). Collection method: clinical testing. Allele origin: germline.
Comment: In summary, the available evidence is currently insufficient to determine the role of this variant in disease. Therefore, it has been classified as a Variant of Uncertain Significance. Algorithms developed to predict the effect of sequence changes on RNA splicing suggest that this variant may disrupt the consensus splice site. This variant has not been reported in the literature in individuals affected with SDHA-related conditions. This variant is not present in population databases (gnomAD no frequency). This sequence change falls in intron 8 of the SDHA gene. It does not directly change the encoded amino acid sequence of the SDHA protein.